The following is an entry in ClinVar:

NM_004186.5(SEMA3F):c.556A>G (p.Ile186Val)

Gene: SEMA3F (semaphorin 3F; plus strand). Cytogenetic location: 3p21.31.
Variant type: single nucleotide variant.
Coding change: c.556A>G on transcript NM_004186.5 (MANE Select); coding-DNA position 556, A replaced by G.
Protein change: p.Ile186Val; replaces isoleucine 186 with valine.
Molecular consequence: missense variant.
Genome position (GRCh38, 1-based): chr3:50,176,774, A>G. VCF-style: chr3-50176774-A-G. GRCh37 (hg19) VCF-style: chr3-50214207-A-G.
Other names: c.259A>G, p.Ile87Val (NM_001318798.2); c.463A>G, p.Ile155Val (NM_001318800.2); c.556A>G (NM_004186.4); short protein forms I155V, I186V, I87V.
Identifiers: ClinVar variation 2653851 (VCV002653851.25), dbSNP rs144445925, ClinGen allele CA2411834.

ClinVar aggregate classification (germline): Likely benign. Review status: criteria provided, single submitter (1 of 4 stars). 2 submissions from 2 submitters: Likely benign (1). 1 of the submissions does not count toward it. Last evaluated 2022-12-01.

Conditions:
SEMA3F-related disorder. Also called: SEMA3F-related condition.

Allele frequency attached by ClinVar (database versions not stated): 1000 Genomes Project 30x 0.00047; 1000 Genomes Project 0.00060; gnomAD 0.00120; ExAC 0.00130; TOPMed 0.00138; gnomAD exomes 0.00183; ESP Exome Variant Server 0.00185.
gnomAD v4.1: 2,850 of 1,612,048 alleles (0.18%); highest among the groups gnomAD compares: Non-Finnish European, 0.21%; 11 homozygotes.

Submissions (2):

CeGaT Center for Human Genetics Tuebingen
Classification: Likely benign. Last evaluated: 2022-12-01. Review status: criteria provided, single submitter. Criteria: CeGaT Center For Human Genetics Tuebingen Variant Classification Criteria Version 2. Collection method: clinical testing. Allele origin: germline. Affected: yes. Observed: 1 variant allele.
Comment: SEMA3F: BP4, BS2

PreventionGenetics, part of Exact Sciences
Classification: Likely benign for SEMA3F-related condition. Last evaluated: 2021-08-16. Review status: no assertion criteria provided. Collection method: clinical testing. Allele origin: germline. Not counted in ClinVar's aggregate classification.
Comment: This variant is classified as likely benign based on ACMG/AMP sequence variant interpretation guidelines (Richards et al. 2015 PMID: 25741868, with internal and published modifications).